The following is an entry in ClinVar:

NM_001144967.3(NEDD4L):c.122+7T>A

Gene: NEDD4L (NEDD4 like E3 ubiquitin protein ligase; plus strand). Cytogenetic location: 18q21.31.
Variant type: single nucleotide variant.
Coding change: c.122+7T>A on transcript NM_001144967.3 (MANE Select); 7 bases into the intron after coding-DNA position 122, T replaced by A.
Molecular consequence: intron variant.
Genome position (GRCh38, 1-based): chr18:58,165,868, T>A. VCF-style: chr18-58165868-T-A. GRCh37 (hg19) VCF-style: chr18-55833100-T-A.
Other names: c.122+7T>A (NM_015277.6, NM_001243960.2); c.-242+7T>A (NM_001144964.1, NM_001144965.2); c.-320+7T>A (NM_001144971.2); c.98+7T>A (NM_001144968.2, NM_001144969.2).
Identifiers: ClinVar variation 699597 (VCV000699597.10), dbSNP rs1054693602, ClinGen allele CA301408453.
Genomic context (GRCh38, chr18:58,165,868, plus strand): 5'-AGTAAAAGTTGTTTCTGGAATTGATCTCGCCAAAAAGGACATCTTTGGAGCCAGGTATGT[T>A]GGCTTTGTTTTTATTTCTGTGGACTTCTGAAAAATTGACAAGCAGTTTTCAAATTCAGGC-3'

ClinVar aggregate classification (germline): Likely benign. Review status: criteria provided, single submitter (1 of 4 stars). 2 submissions from 2 submitters: Likely benign (1). 1 of the submissions does not count toward it. Last evaluated 2025-10-22.

Conditions:
NEDD4L-related disorder. Also called: NEDD4L-related condition.

Allele frequency attached by ClinVar (database versions not stated): gnomAD 0.00001; TOPMed 0.00002.

Submissions (2):

Labcorp Genetics (formerly Invitae), Labcorp
Classification: Likely benign. Last evaluated: 2025-10-22. Review status: criteria provided, single submitter. Criteria: Invitae Variant Classification Sherloc (09022015). Collection method: clinical testing. Allele origin: germline.

PreventionGenetics, part of Exact Sciences
Classification: Likely benign for NEDD4L-related condition. Last evaluated: 2019-03-22. Review status: no assertion criteria provided. Collection method: clinical testing. Allele origin: germline. Not counted in ClinVar's aggregate classification.
Comment: This variant is classified as likely benign based on ACMG/AMP sequence variant interpretation guidelines (Richards et al. 2015 PMID: 25741868, with internal and published modifications).